The following is an entry in ClinVar:

ClinVar aggregate classification (germline): Likely benign (0 of 4 stars; one submission).

Conditions:
AMPD3-related disorder. Also called: AMPD3-related condition.

Allele frequency attached by ClinVar (database versions not stated): ESP Exome Variant Server 0.00023; 1000 Genomes Project 0.00100; 1000 Genomes Project 30x 0.00172.
gnomAD v4.1: 326 of 1,613,332 alleles (0.02%); highest among the groups gnomAD compares: Admixed American, 0.44%; 3 homozygotes.

Submission:

PreventionGenetics, part of Exact Sciences
Classification: Likely benign for AMPD3-related condition. Last evaluated: 2019-11-12. Review status: no assertion criteria provided. Collection method: clinical testing. Allele origin: germline.
Comment: This variant is classified as likely benign based on ACMG/AMP sequence variant interpretation guidelines (Richards et al. 2015 PMID: 25741868, with internal and published modifications).

NM_001025389.2(AMPD3):c.1135-6C>A

Gene: AMPD3 (adenosine monophosphate deaminase 3; plus strand). Cytogenetic location: 11p15.4.
Variant type: single nucleotide variant.
Coding change: c.1135-6C>A on transcript NM_001025389.2 (MANE Select); 6 bases into the intron before coding-DNA position 1135, C replaced by A.
Molecular consequence: intron variant.
Genome position (GRCh38, 1-based): chr11:10,494,893, C>A. VCF-style: chr11-10494893-C-A. GRCh37 (hg19) VCF-style: chr11-10516440-C-A.
Other names: c.658-6C>A (NM_001172431.2); c.1162-6C>A (NM_000480.3); c.1156-6C>A (NM_001025390.2); c.1135-6C>A (NM_001172430.1).
Identifiers: ClinVar variation 3045848 (VCV003045848.2), dbSNP rs180912663, ClinGen allele CA5882918.